The following is an entry in ClinVar:

ClinVar aggregate classification (germline): Uncertain significance (1 of 4 stars; one submission).

Conditions:
Holoprosencephaly 11 (HPE11). Identifiers: Orphanet 2162, MedGen C3280215, MONDO:0013642, OMIM 614226.

Allele frequency attached by ClinVar (database versions not stated): ExAC 0.00001; gnomAD 0.00002; TOPMed 0.00002.
gnomAD v4.1: 12 of 1,608,848 alleles (0.00075%); highest among the groups gnomAD compares: Non-Finnish European, 0.00085%; no homozygotes.

Submission:

Labcorp Genetics (formerly Invitae), Labcorp
Classification: Uncertain significance for Holoprosencephaly 11. Last evaluated: 2023-12-01. Review status: criteria provided, single submitter. Criteria: Invitae Variant Classification Sherloc (09022015). Collection method: clinical testing. Allele origin: germline.
Comment: This sequence change replaces valine, which is neutral and non-polar, with leucine, which is neutral and non-polar, at codon 23 of the CDON protein (p.Val23Leu). This variant is present in population databases (rs762677073, gnomAD 0.002%). This variant has not been reported in the literature in individuals affected with CDON-related conditions. An algorithm developed to predict the effect of missense changes on protein structure and function (PolyPhen-2) suggests that this variant is likely to be tolerated. In summary, the available evidence is currently insufficient to determine the role of this variant in disease. Therefore, it has been classified as a Variant of Uncertain Significance.

NM_001378964.1(CDON):c.67G>T (p.Val23Leu)

Gene: CDON (cell adhesion associated, oncogene regulated; minus strand). Cytogenetic location: 11q24.2.
Variant type: single nucleotide variant.
Coding change: c.67G>T on transcript NM_001378964.1 (MANE Select); coding-DNA position 67, G replaced by T.
Protein change: p.Val23Leu; replaces valine 23 with leucine.
Molecular consequence: missense variant.
Genome position (GRCh38, 1-based): chr11:126,023,410, C>A on the plus strand (G>T on the coding strand, the complement: CDON is on the minus strand). VCF-style: chr11-126023410-C-A. GRCh37 (hg19) VCF-style: chr11-125893305-C-A.
Other names: c.67G>T, p.Val23Leu (NM_001243597.3, NM_016952.6); short protein forms V23L.
Identifiers: ClinVar variation 2737627 (VCV002737627.3), dbSNP rs762677073, ClinGen allele CA6352436.